The following is an entry in ClinVar:

NM_006031.6(PCNT):c.6421G>A (p.Val2141Ile)

Gene: PCNT (pericentrin; plus strand). Cytogenetic location: 21q22.3.
Variant type: single nucleotide variant.
Coding change: c.6421G>A on transcript NM_006031.6 (MANE Select); coding-DNA position 6421, G replaced by A.
Protein change: p.Val2141Ile; replaces valine 2141 with isoleucine.
Molecular consequence: missense variant.
Genome position (GRCh38, 1-based): chr21:46,416,339, G>A. VCF-style: chr21-46416339-G-A. GRCh37 (hg19) VCF-style: chr21-47836253-G-A.
Other names: c.6067G>A, p.Val2023Ile (NM_001315529.2); short protein forms V2023I, V2141I.
Identifiers: ClinVar variation 3349720 (VCV003349720.1).
Genomic context (GRCh38, chr21:46,416,339, plus strand): 5'-GACATATCACCCCACATAGACACATGTGATGCCAATACAGCCACGGGGGGTGTAACTGAT[G>A]TTATCAAAAATCAGGCCATAGACGCGTGTGATGCCAATACAACCCCAGGGGGTGTAACTG-3'
Protein context (NP_006022.3, residues 2131-2151): ANTATGGVTD[Val2141Ile]IKNQAIDACD

ClinVar aggregate classification (germline): Uncertain significance (0 of 4 stars; one submission).

Conditions:
PCNT-related disorder. Also called: PCNT-related condition.

gnomAD v4.1: 20 of 1,613,678 alleles (0.0012%); highest among the groups gnomAD compares: Non-Finnish European, 0.0017%; no homozygotes.

Submission:

PreventionGenetics, part of Exact Sciences
Classification: Uncertain significance for PCNT-related condition. Last evaluated: 2024-02-19. Review status: no assertion criteria provided. Collection method: clinical testing. Allele origin: germline.
Comment: The PCNT c.6421G>A variant is predicted to result in the amino acid substitution p.Val2141Ile. To our knowledge, this variant has not been reported in the literature. This variant is reported in 0.0018% of alleles in individuals of European (Non-Finnish) descent in gnomAD. At this time, the clinical significance of this variant is uncertain due to the absence of conclusive functional and genetic evidence.